The following is an entry in ClinVar:

NM_001127222.2(CACNA1A):c.1248del (p.Phe417fs)

Gene: CACNA1A (calcium voltage-gated channel subunit alpha1 A; minus strand). Cytogenetic location: 19p13.13.
Variant type: Deletion.
Coding change: c.1248del on transcript NM_001127222.2 (MANE Select); coding-DNA position 1248, one base deleted (C; older notation c.1248delC).
Protein change: p.Phe417fs; shifts the reading frame from phenylalanine 417.
Molecular consequence: frameshift variant.
Genome position (GRCh38, 1-based): chr19:13,332,876, G deleted on the plus strand (C on the coding strand, the reverse complement: CACNA1A is on the minus strand); the first of 3 consecutive G bases (chr19:13,332,876-13,332,878); deleting any one gives the same sequence. VCF-style (leftmost placement, unchanged base first): chr19-13332875-AG-A. GRCh37 (hg19) VCF-style: chr19-13443689-AG-A.
Other names: c.1248del, p.Phe417fs (NM_000068.4, NM_001127221.2, NM_001174080.2 and 1 more transcripts); short protein forms F417fs.
Identifiers: ClinVar variation 2946930 (VCV002946930.3), dbSNP rs1600353301, ClinGen allele CA2740091955.

ClinVar aggregate classification (germline): Pathogenic (1 of 4 stars; one submission).

Conditions:
Episodic ataxia type 2 (EA2). Also called: CEREBELLAR ATAXIA, PAROXYSMAL, ACETAZOLAMIDE-RESPONSIVE; CEREBELLOPATHY, HEREDITARY PAROXYSMAL; EPISODIC ATAXIA, NYSTAGMUS-ASSOCIATED; ACETAZOLAMIDE-RESPONSIVE HEREDITARY PAROXYSMAL CEREBELLAR ATAXIA; ATAXIA, EPISODIC, WITH NYSTAGMUS; ATAXIA, FAMILIAL PAROXYSMAL. Identifiers: Orphanet 97, MedGen C1720416, MONDO:0007163, OMIM 108500.
Developmental and epileptic encephalopathy, 42 (DEE42A). Also called: Epileptic encephalopathy, early infantile, 42; DEVELOPMENTAL AND EPILEPTIC ENCEPHALOPATHY 42A; EPILEPTIC ENCEPHALOPATHY, EARLY INFANTILE, 42A. Identifiers: MedGen C4310716, MONDO:0014917, OMIM 617106.

Submission:

Labcorp Genetics (formerly Invitae), Labcorp
Classification: Pathogenic for Developmental and epileptic encephalopathy, 42; Episodic ataxia type 2. Last evaluated: 2023-04-20. Review status: criteria provided, single submitter. Criteria: Invitae Variant Classification Sherloc (09022015). Collection method: clinical testing. Allele origin: germline.
Comment: This sequence change creates a premature translational stop signal (p.Phe417Leufs*10) in the CACNA1A gene. It is expected to result in an absent or disrupted protein product. Loss-of-function variants in CACNA1A are known to be pathogenic (PMID: 10371528, 19486177, 25735478, 27250579). This variant is not present in population databases (gnomAD no frequency). This variant has not been reported in the literature in individuals affected with CACNA1A-related conditions. For these reasons, this variant has been classified as Pathogenic.

Literature cited by the submitters: PubMed 10371528; PubMed 19486177; PubMed 25735478; PubMed 27250579.